The following is an entry in ClinVar:

ClinVar aggregate classification (germline): Uncertain significance (1 of 4 stars; one submission).

Submission:

Ambry Genetics
Classification: Uncertain significance. Last evaluated: 2025-08-02. Review status: criteria provided, single submitter. Criteria: Ambry Variant Classification Scheme 2023. Collection method: clinical testing. Allele origin: germline.
Comment: The p.S512N variant (also known as c.1535G>A), located in coding exon 8 of the ATRIP gene, results from a G to A substitution at nucleotide position 1535. The serine at codon 512 is replaced by asparagine, an amino acid with highly similar properties. This amino acid position is conserved. In addition, this alteration is predicted to be tolerated by in silico analysis. Based on the available evidence, the clinical significance of this variant remains unclear.

NM_130384.3(ATRIP):c.1535G>A (p.Ser512Asn)

Genes: ATRIP (ATR interacting protein; plus strand), ATRIP-TREX1 (ATRIP-TREX1 readthrough; plus strand). Cytogenetic location: 3p21.31.
Variant type: single nucleotide variant.
Coding change: c.1535G>A on transcript NM_130384.3 (MANE Select); coding-DNA position 1535, G replaced by A.
Protein change: p.Ser512Asn; replaces serine 512 with asparagine.
Molecular consequence: missense variant. On other transcripts: non-coding transcript variant (1).
Genome position (GRCh38, 1-based): chr3:48,460,589, G>A. VCF-style: chr3-48460589-G-A. GRCh37 (hg19) VCF-style: chr3-48501988-G-A.
Other names: c.1154G>A, p.Ser385Asn (NM_001271022.2); c.1256G>A, p.Ser419Asn (NM_001271023.2); c.1535G>A, p.Ser512Asn (NM_032166.4); short protein forms S385N, S512N, S419N.
Identifiers: ClinVar variation 4182356 (VCV004182356.1).